The following is an entry in ClinVar:

ClinVar aggregate classification (germline): Pathogenic (1 of 4 stars; one submission).

Conditions:
Hereditary cancer-predisposing syndrome. Also called: Neoplastic Syndromes, Hereditary; Tumor predisposition; Hereditary Cancer Syndrome; Hereditary neoplastic syndrome. Identifiers: Orphanet 140162, MedGen C0027672, MeSH D009386, MONDO:0015356.

Submission:

Color Diagnostics, LLC DBA Color Health
Classification: Pathogenic for Hereditary cancer-predisposing syndrome. Last evaluated: 2020-01-15. Review status: criteria provided, single submitter. Criteria: ACMG Guidelines, 2015. Collection method: clinical testing. Allele origin: germline.
Comment: This variant deletes 2 nucleotides in exon 16 of the APC gene, creating a frameshift and premature translation stop signal. This variant is expected to result in an absent or non-functional protein product. This variant has not been identified in the general population by the Genome Aggregation Database (gnomAD). Loss of APC function is a known mechanism of disease. Based on the available evidence, this variant is classified as Pathogenic.

NM_000038.6(APC):c.4367_4368del (p.Lys1456fs)

Gene: APC (APC regulator of Wnt signaling pathway; plus strand). Cytogenetic location: 5q22.2.
Variant type: Deletion.
Coding change: c.4367_4368del on transcript NM_000038.6 (MANE Select); coding-DNA positions 4367 to 4368, 2 bases deleted (AA; older notation c.4367_4368delAA).
Protein change: p.Lys1456fs; shifts the reading frame from lysine 1456.
Molecular consequence: frameshift variant.
Genome position (GRCh38, 1-based): chr5:112,839,961-112,839,962, AA deleted; deleting any 2 consecutive bases within chr5:112,839,960-112,839,962 gives the same sequence; the c. name uses the placement nearest the transcript's 3' end. VCF-style (leftmost placement, unchanged base first): chr5-112839959-TAA-T. GRCh37 (hg19) VCF-style: chr5-112175656-TAA-T.
Other names: c.4367_4368del, p.Lys1456fs (NM_001127510.3, NM_001354895.2); c.4313_4314del, p.Lys1438fs (NM_001127511.3); c.4421_4422del, p.Lys1474fs (NM_001354896.2); c.4397_4398del, p.Lys1466fs (NM_001354897.2); c.4292_4293del, p.Lys1431fs (NM_001354898.2); c.4283_4284del, p.Lys1428fs (NM_001354899.2); c.4244_4245del, p.Lys1415fs (NM_001354900.2); c.4190_4191del, p.Lys1397fs (NM_001354901.2); and 5 more; short protein forms K1173fs, K1330fs, K1355fs, K1474fs, K1296fs, K1397fs, K1415fs, K1431fs.
Identifiers: ClinVar variation 921635 (VCV000921635.3), dbSNP rs1765664365, ClinGen allele CA913188198.